The following is an entry in ClinVar:

ClinVar aggregate classification (germline): Uncertain significance (1 of 4 stars; one submission).

Allele frequency attached by ClinVar (database versions not stated): gnomAD exomes below 0.00001 and 0.00001; ExAC 0.00001.
gnomAD v4.1: 2 of 1,613,982 alleles (0.00012%); highest among the groups gnomAD compares: South Asian, 0.0022%; no homozygotes.

Submission:

GeneDx
Classification: Uncertain significance. Last evaluated: 2017-03-16. Review status: criteria provided, single submitter. Criteria: GeneDx Variant Classification (06012015). Collection method: clinical testing. Allele origin: germline. Affected: yes.
Comment: The Q175H variant in the CBL gene has not been reported previously as a pathogenic variant, nor as a benign variant, to our knowledge. The Q175H variant is not observed in large population cohorts (Lek et al., 2016; 1000 Genomes Consortium et al., 2015; Exome Variant Server). The Q175H variant is a semi-conservative amino acid substitution, which may impact secondary protein structure as these residues differ in some properties. This substitution occurs at a position within the Cbl-PTP domain, sufficient for interaction with EPHB1 region and within the 4H region, that is conserved across species. In silico analysis predicts this variant is probably damaging to the protein structure/function.

NM_005188.4(CBL):c.525G>T (p.Gln175His)

Gene: CBL (Cbl proto-oncogene; plus strand). Cytogenetic location: 11q23.3.
Variant type: single nucleotide variant.
Coding change: c.525G>T on transcript NM_005188.4 (MANE Select); coding-DNA position 525, G replaced by T.
Protein change: p.Gln175His; replaces glutamine 175 with histidine.
Molecular consequence: missense variant.
Genome position (GRCh38, 1-based): chr11:119,271,816, G>T. VCF-style: chr11-119271816-G-T. GRCh37 (hg19) VCF-style: chr11-119142526-G-T.
Other names: short protein forms Q175H.
Identifiers: ClinVar variation 424312 (VCV000424312.2), dbSNP rs754381153, ClinGen allele CA6318285.